The following is an entry in ClinVar:

NM_000271.5(NPC1):c.271C>T (p.Leu91=)

Gene: NPC1 (NPC intracellular cholesterol transporter 1; minus strand). Cytogenetic location: 18q11.2.
Variant type: single nucleotide variant.
Coding change: c.271C>T on transcript NM_000271.5 (MANE Select); coding-DNA position 271, C replaced by T.
Protein change: p.Leu91=; no amino-acid change (leucine 91 retained).
Molecular consequence: synonymous variant.
Genome position (GRCh38, 1-based): chr18:23,572,090, G>A on the plus strand (C>T on the coding strand, the complement: NPC1 is on the minus strand). VCF-style: chr18-23572090-G-A. GRCh37 (hg19) VCF-style: chr18-21152054-G-A.
Other names: c.271C>T (NM_000271.4).
Identifiers: ClinVar variation 1584995 (VCV001584995.10), dbSNP rs773809600, ClinGen allele CA8913782.

ClinVar aggregate classification (germline): Likely benign. Review status: criteria provided, single submitter (1 of 4 stars). 2 submissions from 2 submitters: Likely benign (1). 1 of the submissions does not count toward it. Last evaluated 2023-12-15.

Conditions:
Niemann-Pick disease, type C1. Also called: NEUROVISCERAL STORAGE DISEASE WITH VERTICAL SUPRANUCLEAR OPHTHALMOPLEGIA; NIEMANN-PICK DISEASE WITH CHOLESTEROL ESTERIFICATION BLOCK; NIEMANN-PICK DISEASE WITHOUT SPHINGOMYELINASE DEFICIENCY; NIEMANN-PICK DISEASE, CHRONIC NEURONOPATHIC FORM; NIEMANN-PICK DISEASE, VARIANT TYPE C1. Identifiers: Orphanet 646, MedGen C3179455, MONDO:0009757, OMIM 257220.
NPC1-related disorder. Also called: NPC1-related condition.

Allele frequency attached by ClinVar (database versions not stated): gnomAD 0.00001; gnomAD exomes 0.00001; ExAC 0.00002.
gnomAD v4.1: 5 of 1,613,396 alleles (0.00031%); highest among the groups gnomAD compares: Non-Finnish European, 0.00042%; no homozygotes.

Submissions (2):

Labcorp Genetics (formerly Invitae), Labcorp
Classification: Likely benign for Niemann-Pick disease, type C1. Last evaluated: 2023-12-15. Review status: criteria provided, single submitter. Criteria: Invitae Variant Classification Sherloc (09022015). Collection method: clinical testing. Allele origin: germline.

PreventionGenetics, part of Exact Sciences
Classification: Likely benign for NPC1-related condition. Last evaluated: 2021-12-15. Review status: no assertion criteria provided. Collection method: clinical testing. Allele origin: germline. Not counted in ClinVar's aggregate classification.
Comment: This variant is classified as likely benign based on ACMG/AMP sequence variant interpretation guidelines (Richards et al. 2015 PMID: 25741868, with internal and published modifications).